The following is an entry in ClinVar:

NM_000055.4(BCHE):c.1800G>C (p.Val600=)

Gene: BCHE (butyrylcholinesterase; minus strand). Cytogenetic location: 3q26.1.
Variant type: single nucleotide variant.
Coding change: c.1800G>C on transcript NM_000055.4 (MANE Select); coding-DNA position 1800, G replaced by C.
Protein change: p.Val600=; no amino-acid change (valine 600 retained).
Molecular consequence: synonymous variant. On other transcripts: non-coding transcript variant (2).
Genome position (GRCh38, 1-based): chr3:165,773,391, C>G on the plus strand (G>C on the coding strand, the complement: BCHE is on the minus strand). VCF-style: chr3-165773391-C-G. GRCh37 (hg19) VCF-style: chr3-165491179-C-G.
Identifiers: ClinVar variation 2654264 (VCV002654264.24), dbSNP rs2473337963, ClinGen allele CA436818736.

ClinVar aggregate classification (germline): Likely benign (1 of 4 stars; one submission).

Allele frequency attached by ClinVar (database versions not stated): gnomAD exomes below 0.00001.

Submission:

CeGaT Center for Human Genetics Tuebingen
Classification: Likely benign. Last evaluated: 2022-11-01. Review status: criteria provided, single submitter. Criteria: CeGaT Center For Human Genetics Tuebingen Variant Classification Criteria Version 2. Collection method: clinical testing. Allele origin: germline. Affected: yes. Observed: 1 variant allele.
Comment: BCHE: PM2:Supporting, BP4, BP7